The following is an entry in ClinVar:

ClinVar aggregate classification (germline): Uncertain significance (1 of 4 stars; one submission).

Conditions:
Hereditary diffuse gastric adenocarcinoma (HDGC). Also called: DIFFUSE GASTRIC AND LOBULAR BREAST CANCER SYNDROME. Identifiers: Orphanet 26106, MedGen C1708349, MONDO:0007648, OMIM 137215.

gnomAD v4.1: 3 of 1,614,158 alleles (0.00019%); highest among the groups gnomAD compares: Non-Finnish European, 0.00025%; no homozygotes.

Submission:

Labcorp Genetics (formerly Invitae), Labcorp
Classification: Uncertain significance for Hereditary diffuse gastric adenocarcinoma. Last evaluated: 2024-06-12. Review status: criteria provided, single submitter. Criteria: Invitae Variant Classification Sherloc (09022015). Collection method: clinical testing. Allele origin: germline.
Comment: This sequence change replaces proline, which is neutral and non-polar, with arginine, which is basic and polar, at codon 822 of the CDH1 protein (p.Pro822Arg). This variant is not present in population databases (gnomAD no frequency). This variant has not been reported in the literature in individuals affected with CDH1-related conditions. ClinVar contains an entry for this variant (Variation ID: 1046988). An algorithm developed to predict the effect of missense changes on protein structure and function (PolyPhen-2) suggests that this variant is likely to be disruptive. In summary, the available evidence is currently insufficient to determine the role of this variant in disease. Therefore, it has been classified as a Variant of Uncertain Significance.

NM_004360.5(CDH1):c.2465C>G (p.Pro822Arg)

Gene: CDH1 (cadherin 1; plus strand). Cytogenetic location: 16q22.1.
Variant type: single nucleotide variant.
Coding change: c.2465C>G on transcript NM_004360.5 (MANE Select); coding-DNA position 2465, C replaced by G.
Protein change: p.Pro822Arg; replaces proline 822 with arginine.
Molecular consequence: missense variant.
Genome position (GRCh38, 1-based): chr16:68,833,315, C>G. VCF-style: chr16-68833315-C-G. GRCh37 (hg19) VCF-style: chr16-68867218-C-G.
Other names: c.2282C>G, p.Pro761Arg (NM_001317184.2); c.917C>G, p.Pro306Arg (NM_001317185.2); c.500C>G, p.Pro167Arg (NM_001317186.2); short protein forms P167R, P761R, P822R, P306R.
Identifiers: ClinVar variation 1046988 (VCV001046988.11), dbSNP rs1555518215, ClinGen allele CA396472029.